The following is an entry in ClinVar:

ClinVar aggregate classification (germline): Pathogenic. Review status: criteria provided, multiple submitters, no conflicts (2 of 4 stars). 5 submissions from 5 submitters: Pathogenic (5). Last evaluated 2023-07-14.

Conditions:
Sotos syndrome (SOTOS). Also called: CEREBRAL GIGANTISM; Sotos' syndrome; Distinctive facial appearance, overgrowth in childhood, and learning disabilities or delayed development; CHROMOSOME 5q35 DELETION SYNDROME; SOTOS SYNDROME 1. Identifiers: Orphanet 821, MedGen C0175695, MONDO:0019349, OMIM 117550.
Acute myeloid leukemia (AML). Also called: Leukemia, acute myeloid, somatic; Leukemia, acute myelogenous, somatic; Acute myeloid leukemia, adult; AML adult; Acute non-lymphocytic leukemia; Acute granulocytic leukemia. Identifiers: Orphanet 519, MedGen C0023467, MeSH D015470, MONDO:0018874, OMIM 601626, HP:0004808. Disease mechanism: Constitutively activated FLT3.

Submissions (5):

Labcorp Genetics (formerly Invitae), Labcorp
Classification: Pathogenic. Last evaluated: 2023-07-14. Review status: criteria provided, single submitter. Criteria: Invitae Variant Classification Sherloc (09022015). Collection method: clinical testing. Allele origin: germline.
Comment: This sequence change creates a premature translational stop signal (p.Arg788*) in the NSD1 gene. It is expected to result in an absent or disrupted protein product. Loss-of-function variants in NSD1 are known to be pathogenic (PMID: 12464997, 14571271, 15942875, 16247291). This variant is not present in population databases (gnomAD no frequency). This premature translational stop signal has been observed in individual(s) with Sotos syndrome (PMID: 15942875, 17565729, 23190751). ClinVar contains an entry for this variant (Variation ID: 378304). For these reasons, this variant has been classified as Pathogenic.

GeneDx
Classification: Pathogenic. Last evaluated: 2022-12-14. Review status: criteria provided, single submitter. Criteria: GeneDx Variant Classification Process June 2021. Collection method: clinical testing. Allele origin: germline. Affected: yes.
Comment: Nonsense variant predicted to result in protein truncation or nonsense mediated decay in a gene for which loss-of-function is a known mechanism of disease; Not observed in large population cohorts (gnomAD); This variant is associated with the following publications: (PMID: 25525159, 23190751, 15942875, 22924495, 17565729, 29304373, 34013836, 32677741)

Fulgent Genetics
Classification: Pathogenic for Sotos syndrome. Last evaluated: 2021-09-05. Review status: criteria provided, single submitter. Criteria: ACMG Guidelines, 2015. Collection method: clinical testing. Allele origin: unknown.

Genome-Nilou Lab
Classification: Pathogenic for Sotos syndrome. Last evaluated: 2021-07-15. Review status: criteria provided, single submitter. Criteria: ACMG Guidelines, 2015. Collection method: clinical testing. Allele origin: germline. Affected: no.

Baylor Genetics
Classification: Pathogenic for Acute myeloid leukemia. Last evaluated: 2018-03-20. Review status: criteria provided, single submitter. Criteria: ACMG Guidelines, 2015. Collection method: clinical testing. Allele origin: de novo. Affected: yes.
Comment: This variant was determined to be pathogenic according to ACMG Guidelines, 2015 [PMID:25741868]. This variant has been previously reported in patients with Sotos syndrome [PMID 15942875]

Literature cited by the submitters: PubMed 12464997 (cited by Labcorp Genetics (formerly Invitae), Labcorp); PubMed 14571271 (cited by Labcorp Genetics (formerly Invitae), Labcorp); PubMed 15942875 (cited by Labcorp Genetics (formerly Invitae), Labcorp and Baylor Genetics); PubMed 16247291 (cited by Labcorp Genetics (formerly Invitae), Labcorp); PubMed 17565729 (cited by Labcorp Genetics (formerly Invitae), Labcorp); PubMed 23190751 (cited by Labcorp Genetics (formerly Invitae), Labcorp).

NM_022455.5(NSD1):c.2362C>T (p.Arg788Ter)

Gene: NSD1 (nuclear receptor binding SET domain protein 1; plus strand). Cytogenetic location: 5q35.3.
Variant type: single nucleotide variant.
Coding change: c.2362C>T on transcript NM_022455.5 (MANE Select); coding-DNA position 2362, C replaced by T.
Protein change: p.Arg788Ter; replaces arginine 788 with a stop codon.
Molecular consequence: nonsense.
Genome position (GRCh38, 1-based): chr5:177,210,761, C>T. VCF-style: chr5-177210761-C-T. GRCh37 (hg19) VCF-style: chr5-176637762-C-T.
Other names: c.1489C>T, p.Arg497Ter (NM_001365684.2, NM_001409306.1, NM_001409307.1 and 3 more transcripts); c.2362C>T, p.Arg788Ter (NM_001409301.1, NM_001409302.1, NM_001409303.1); c.1942C>T, p.Arg648Ter (NM_001409304.1); c.1609C>T, p.Arg537Ter (NM_001409305.1); short protein forms R788*, R519*, R648*, R537*, R497*.
Identifiers: ClinVar variation 378304 (VCV000378304.17), dbSNP rs1057520339, ClinGen allele CA16604930.
Genomic context (GRCh38, chr5:177,210,761, plus strand): 5'-ATAAAGGGTGGGGCAGCAAATCAAGCTCTATTACATTCGAAAAGCAAACAGCCCAAGTTC[C>T]GAAGTATAAAGTGCAAACACAAAGAAAATCCAGTTATGGCAGAACCCCCAGTTATAAATG-3'